The following is an entry in ClinVar:

ClinVar aggregate classification (germline): Pathogenic (1 of 4 stars; one submission).

Submission:

Labcorp Genetics (formerly Invitae), Labcorp
Classification: Pathogenic. Last evaluated: 2022-12-31. Review status: criteria provided, single submitter. Criteria: Invitae Variant Classification Sherloc (09022015). Collection method: clinical testing. Allele origin: germline.
Comment: For these reasons, this variant has been classified as Pathogenic. This variant has not been reported in the literature in individuals affected with ABCC2-related conditions. This variant is not present in population databases (gnomAD no frequency). This sequence change creates a premature translational stop signal (p.Thr1286Ilefs*65) in the ABCC2 gene. It is expected to result in an absent or disrupted protein product. Loss-of-function variants in ABCC2 are known to be pathogenic (PMID: 9185779, 16549534, 16952291).

Literature cited by the submitters: PubMed 9185779; PubMed 16549534; PubMed 16952291.

NM_000392.5(ABCC2):c.3857_3860del (p.Thr1286fs)

Gene: ABCC2 (ATP binding cassette subfamily C member 2; plus strand). Cytogenetic location: 10q24.2.
Variant type: Deletion.
Coding change: c.3857_3860del on transcript NM_000392.5 (MANE Select); coding-DNA positions 3857 to 3860, 4 bases deleted (CTGA; older notation c.3857_3860delCTGA).
Protein change: p.Thr1286fs; shifts the reading frame from threonine 1286.
Molecular consequence: frameshift variant.
Genome position (GRCh38, 1-based): chr10:99,844,335-99,844,338, CTGA deleted; deleting any 4 consecutive bases within chr10:99,844,332-99,844,338 gives the same sequence; the c. name uses the placement nearest the transcript's 3' end. VCF-style (leftmost placement, unchanged base first): chr10-99844331-GTGAC-G. GRCh37 (hg19) VCF-style: chr10-101604088-GTGAC-G.
Other names: short protein forms T1286fs.
Identifiers: ClinVar variation 2823190 (VCV002823190.3), dbSNP rs1564701009, ClinGen allele CA2610497720.
Genomic context (GRCh38, chr10:99,844,331, plus strand): 5'-GGCTGAGTTGCCACCTTATAAAACTTACTTCTCATCTTGTCTCCTTGCCAGGCACCCTGG[GTGAC>G]TGATAAGAGGCCTCCGCCAGATTGGCCCAGCAAAGGCAAGATCCAGTTTAACAACTACCA-3'